The following is an entry in ClinVar:

ClinVar aggregate classification (germline): Uncertain significance (1 of 4 stars; one submission).

Submission:

CeGaT Center for Human Genetics Tuebingen
Classification: Uncertain significance. Last evaluated: 2024-07-01. Review status: criteria provided, single submitter. Criteria: CeGaT Center For Human Genetics Tuebingen Variant Classification Criteria Version 2. Collection method: clinical testing. Allele origin: germline. Affected: yes. Observed: 1 variant allele.
Comment: HGD: PM2, PM3:Supporting, PP3, PP4

NM_000187.4(HGD):c.1007-10A>G

Gene: HGD (homogentisate 1,2-dioxygenase; minus strand). Cytogenetic location: 3q13.33.
Variant type: single nucleotide variant.
Coding change: c.1007-10A>G on transcript NM_000187.4 (MANE Select); 10 bases into the intron before coding-DNA position 1007, A replaced by G.
Molecular consequence: intron variant.
Genome position (GRCh38, 1-based): chr3:120,633,338, T>C on the plus strand (A>G on the coding strand, the complement: HGD is on the minus strand). VCF-style: chr3-120633338-T-C. GRCh37 (hg19) VCF-style: chr3-120352185-T-C.
Identifiers: ClinVar variation 3257395 (VCV003257395.17).